The following is an entry in ClinVar:

NC_000012.12:g.121626975G>C

Genes: ORAI1 (ORAI calcium release-activated calcium modulator 1; plus strand), LOC130008987 (ATAC-STARR-seq lymphoblastoid silent region 4981; plus strand). Cytogenetic location: 12q24.31.
Variant type: single nucleotide variant.
Genome position: GRCh38 VCF-style: chr12-121626975-G-C. GRCh37 (hg19) VCF-style: chr12-122064881-G-C.
Other names: c.228G>C, p.Trp76Cys (NM_032790.4); short protein forms W76C.
Identifiers: ClinVar variation 1051184 (VCV001051184.7), dbSNP rs1555322589, ClinGen allele CA386981009.
Genomic context (GRCh38, chr12:121,626,975, plus strand): 5'-CGGCCAGAGTTACTCCGAGGTGATGAGCCTCAACGAGCACTCCATGCAGGCGCTGTCCTG[G>C]CGCAAGCTCTACTTGAGCCGCGCCAAGCTTAAAGCCTCCAGCCGGACCTCGGCTCTGCTC-3'

ClinVar aggregate classification (germline): Uncertain significance (1 of 4 stars; one submission).

Conditions:
Combined immunodeficiency due to ORAI1 deficiency. Also called: IMMUNODEFICIENCY 9. Identifiers: Orphanet 169090, Orphanet 317428, MedGen C2748568, MONDO:0013007, OMIM 612782.
Myopathy, tubular aggregate, 2 (TAM2). Identifiers: MedGen C4014557, MONDO:0014383, OMIM 615883.

Allele frequency attached by ClinVar (database versions not stated): gnomAD exomes below 0.00001; gnomAD 0.00001.

Submission:

Labcorp Genetics (formerly Invitae), Labcorp
Classification: Uncertain significance for Myopathy, tubular aggregate, 2; Combined immunodeficiency due to ORAI1 deficiency. Last evaluated: 2020-07-31. Review status: criteria provided, single submitter. Criteria: Invitae Variant Classification Sherloc (09022015). Collection method: clinical testing. Allele origin: germline.
Comment: In summary, the available evidence is currently insufficient to determine the role of this variant in disease. Therefore, it has been classified as a Variant of Uncertain Significance. This variant has been reported not to substantially affect ORAI1 protein function (PMID: 26546674). This variant has not been reported in the literature in individuals with ORAI1-related conditions. This variant is not present in population databases (ExAC no frequency). This sequence change replaces tryptophan with cysteine at codon 76 of the ORAI1 protein (p.Trp76Cys). The tryptophan residue is highly conserved and there is a large physicochemical difference between tryptophan and cysteine.

Literature cited by the submitters: PubMed 26546674.